The following is an entry in ClinVar:

ClinVar aggregate classification (germline): Uncertain significance (1 of 4 stars; one submission).

Allele frequency attached by ClinVar (database versions not stated): gnomAD exomes below 0.00001; gnomAD 0.00001; TOPMed 0.00002.

Submission:

Labcorp Genetics (formerly Invitae), Labcorp
Classification: Uncertain significance. Last evaluated: 2022-03-12. Review status: criteria provided, single submitter. Criteria: Invitae Variant Classification Sherloc (09022015). Collection method: clinical testing. Allele origin: germline.
Comment: This sequence change replaces asparagine, which is neutral and polar, with histidine, which is basic and polar, at codon 43 of the RAB33B protein (p.Asn43His). This variant is not present in population databases (gnomAD no frequency). This variant has not been reported in the literature in individuals affected with RAB33B-related conditions. Algorithms developed to predict the effect of missense changes on protein structure and function are either unavailable or do not agree on the potential impact of this missense change (SIFT: "Not Available"; PolyPhen-2: "Possibly Damaging"; Align-GVGD: "Not Available"). In summary, the available evidence is currently insufficient to determine the role of this variant in disease. Therefore, it has been classified as a Variant of Uncertain Significance.

NM_031296.3(RAB33B):c.127A>C (p.Asn43His)

Gene: RAB33B (RAB33B, member RAS oncogene family; plus strand). Cytogenetic location: 4q31.1.
Variant type: single nucleotide variant.
Coding change: c.127A>C on transcript NM_031296.3 (MANE Select); coding-DNA position 127, A replaced by C.
Protein change: p.Asn43His; replaces asparagine 43 with histidine.
Molecular consequence: missense variant.
Genome position (GRCh38, 1-based): chr4:139,454,322, A>C. VCF-style: chr4-139454322-A-C. GRCh37 (hg19) VCF-style: chr4-140375476-A-C.
Other names: short protein forms N43H.
Identifiers: ClinVar variation 1502074 (VCV001502074.3), dbSNP rs980175514, ClinGen allele CA106678519.